The following is an entry in ClinVar:

ClinVar aggregate classification (germline): Uncertain significance. Review status: criteria provided, multiple submitters, no conflicts (2 of 4 stars). 2 submissions from 2 submitters: Uncertain significance (2). Last evaluated 2025-08-05.

Submissions (2):

GeneDx
Classification: Uncertain significance. Last evaluated: 2025-08-05. Review status: criteria provided, single submitter. Criteria: GeneDx Variant Classification Process June 2021. Collection method: clinical testing. Allele origin: germline. Affected: yes.
Comment: Identified in one patient from a cohort of patients with inherited retinal diseases, although additional clinical information and segregation data were not provided; Not observed at significant frequency in large population cohorts (gnomAD); In silico analysis supports that this missense variant has a deleterious effect on protein structure/function; This variant is associated with the following publications: (PMID: 36460718)

Labcorp Genetics (formerly Invitae), Labcorp
Classification: Uncertain significance. Last evaluated: 2021-07-28. Review status: criteria provided, single submitter. Criteria: Invitae Variant Classification Sherloc (09022015). Collection method: clinical testing. Allele origin: germline.
Comment: This sequence change replaces serine with arginine at codon 277 of the PRPF31 protein (p.Ser277Arg). The serine residue is highly conserved and there is a moderate physicochemical difference between serine and arginine. This variant is not present in population databases (ExAC no frequency). This missense change has been observed in individual(s) with clinical features of retinitis pigmentosa (Invitae). Algorithms developed to predict the effect of missense changes on protein structure and function are either unavailable or do not agree on the potential impact of this missense change (SIFT: "Tolerated"; PolyPhen-2: "Probably Damaging"; Align-GVGD: "Class C0"). In summary, the available evidence is currently insufficient to determine the role of this variant in disease. Therefore, it has been classified as a Variant of Uncertain Significance.

NM_015629.4(PRPF31):c.829A>C (p.Ser277Arg)

Gene: PRPF31 (pre-mRNA processing factor 31; plus strand). Cytogenetic location: 19q13.42.
Variant type: single nucleotide variant.
Coding change: c.829A>C on transcript NM_015629.4 (MANE Select); coding-DNA position 829, A replaced by C.
Protein change: p.Ser277Arg; replaces serine 277 with arginine.
Molecular consequence: missense variant.
Genome position (GRCh38, 1-based): chr19:54,124,630, A>C. VCF-style: chr19-54124630-A-C. GRCh37 (hg19) VCF-style: chr19-54628009-A-C.
Other names: c.829A>C (NM_015629.3); short protein forms S277R.
Identifiers: ClinVar variation 1370445 (VCV001370445.7), dbSNP rs1236203220, ClinGen allele CA407751427.